The following is an entry in ClinVar:

NM_173546.3(KLHDC8B):c.569C>A (p.Thr190Asn)

Gene: KLHDC8B (kelch domain containing 8B; plus strand). Cytogenetic location: 3p21.31.
Variant type: single nucleotide variant.
Coding change: c.569C>A on transcript NM_173546.3 (MANE Select); coding-DNA position 569, C replaced by A.
Protein change: p.Thr190Asn; replaces threonine 190 with asparagine.
Molecular consequence: missense variant.
Genome position (GRCh38, 1-based): chr3:49,174,769, C>A. VCF-style: chr3-49174769-C-A. GRCh37 (hg19) VCF-style: chr3-49212202-C-A.
Other names: short protein forms T190N.
Identifiers: ClinVar variation 4763523 (VCV004763523.1).

ClinVar aggregate classification (germline): Uncertain significance (1 of 4 stars; one submission).

gnomAD v4.1: 1 of 1,610,752 alleles (0.000062%); highest among the groups gnomAD compares: Admixed American, 0.0017%; no homozygotes.

Submission:

Labcorp Genetics (formerly Invitae), Labcorp
Classification: Uncertain significance. Last evaluated: 2025-08-19. Review status: criteria provided, single submitter. Criteria: Invitae Variant Classification Sherloc (09022015). Collection method: clinical testing. Allele origin: germline.
Comment: This sequence change replaces threonine, which is neutral and polar, with asparagine, which is neutral and polar, at codon 190 of the KLHDC8B protein (p.Thr190Asn). This variant is present in population databases (no rsID available, gnomAD 0.003%). This variant has not been reported in the literature in individuals affected with KLHDC8B-related conditions. An algorithm developed to predict the effect of missense changes on protein structure and function (PolyPhen-2) suggests that this variant is likely to be disruptive. In summary, the available evidence is currently insufficient to determine the role of this variant in disease. Therefore, it has been classified as a Variant of Uncertain Significance.